The following is an entry in ClinVar:

ClinVar aggregate classification (germline): Conflicting classifications of pathogenicity. Review status: criteria provided, conflicting classifications (1 of 4 stars). 3 submissions from 3 submitters: Uncertain significance (1); Likely benign (2). Last evaluated 2025-04-11.

Conditions:
Duchenne muscular dystrophy (DMD). Also called: Duchenne Muscular Dystrophy (DMD); MUSCULAR DYSTROPHY, PSEUDOHYPERTROPHIC PROGRESSIVE, DUCHENNE TYPE. Identifiers: Orphanet 98896, MedGen C0013264, MONDO:0010679, OMIM 310200.

Allele frequency attached by ClinVar (database versions not stated): gnomAD 0.00001; gnomAD exomes 0.00001 and 0.00003; ExAC 0.00002; TOPMed 0.00002; ESP Exome Variant Server 0.00009.
gnomAD v4.1: 28 of 1,207,551 alleles (0.0023%); highest among the groups gnomAD compares: Non-Finnish European, 0.003%; no homozygotes.

Submissions (3):

Labcorp Genetics (formerly Invitae), Labcorp
Classification: Likely benign for Duchenne muscular dystrophy. Last evaluated: 2025-04-11. Review status: criteria provided, single submitter. Criteria: Invitae Variant Classification Sherloc (09022015). Collection method: clinical testing. Allele origin: germline.

Revvity Omics, Revvity
Classification: Uncertain significance. Last evaluated: 2023-10-26. Review status: criteria provided, single submitter. Criteria: ACMG Guidelines, 2015. Collection method: clinical testing. Allele origin: germline.

GeneDx
Classification: Likely benign. Last evaluated: 2021-06-18. Review status: criteria provided, single submitter. Criteria: GeneDx Variant Classification Process June 2021. Collection method: clinical testing. Allele origin: germline. Affected: yes.
Comment: In silico analysis supports that this missense variant has a deleterious effect on protein structure/function; This variant is associated with the following publications: (PMID: 27535533)

NM_004006.3(DMD):c.9790C>T (p.Arg3264Trp)

Gene: DMD (dystrophin; minus strand). Cytogenetic location: Xp21.2.
Variant type: single nucleotide variant.
Coding change: c.9790C>T on transcript NM_004006.3 (MANE Select); coding-DNA position 9790, C replaced by T.
Protein change: p.Arg3264Trp; replaces arginine 3264 with tryptophan.
Molecular consequence: missense variant.
Genome position (GRCh38, 1-based): chrX:31,203,978, G>A on the plus strand (C>T on the coding strand, the complement: DMD is on the minus strand). VCF-style: chrX-31203978-G-A. GRCh37 (hg19) VCF-style: chrX-31222095-G-A.
Other names: c.9421C>T, p.Arg3141Trp (NM_004010.3); c.5767C>T, p.Arg1923Trp (NM_004011.4); c.5758C>T, p.Arg1920Trp (NM_004012.4); c.2410C>T, p.Arg804Trp (NM_004013.3, NM_004020.4, NM_004021.3 and 2 more transcripts); c.1603C>T, p.Arg535Trp (NM_004014.3); c.586C>T, p.Arg196Trp (NM_004015.3, NM_004016.3, NM_004017.3 and 2 more transcripts); c.9766C>T, p.Arg3256Trp (NM_000109.4); c.9778C>T, p.Arg3260Trp (NM_004009.3); short protein forms R3264W, R804W, R3256W, R1923W, R3141W, R535W, R1920W, R196W.
Identifiers: ClinVar variation 239616 (VCV000239616.11), dbSNP rs373448002, ClinGen allele CA10377749.
Genomic context (GRCh38, chrX:31,203,978, plus strand): 5'-ATATGAAAGAATAAATATGTTACCTAGAAGGTGAATAACTTACAAATTGGAAGCAGCTCC[G>A]GACACTTGGCTCAATGTTACTGCCCCCAAAGGATGCAACTTCACCCAACTGTCTTGGAAT-3'
Protein context (NP_003997.2, residues 3254-3274): FGGSNIEPSV[Arg3264Trp]SCFQFANNKP